The following is an entry in ClinVar:

NM_000264.5(PTCH1):c.1271C>G (p.Thr424Ser)

Gene: PTCH1 (patched 1; minus strand). Cytogenetic location: 9q22.32.
Variant type: single nucleotide variant.
Coding change: c.1271C>G on transcript NM_000264.5 (MANE Select); coding-DNA position 1271, C replaced by G.
Protein change: p.Thr424Ser; replaces threonine 424 with serine.
Molecular consequence: missense variant. On other transcripts: non-coding transcript variant (1).
Genome position (GRCh38, 1-based): chr9:95,478,131, G>C on the plus strand (C>G on the coding strand, the complement: PTCH1 is on the minus strand). VCF-style: chr9-95478131-G-C. GRCh37 (hg19) VCF-style: chr9-98240413-G-C.
Other names: c.818C>G, p.Thr273Ser (NM_001083605.3, NM_001083606.3, NM_001083607.3 and 1 more transcripts); c.1271C>G, p.Thr424Ser (NM_001354918.2); c.1073C>G, p.Thr358Ser (NM_001083602.3); c.1268C>G, p.Thr423Ser (NM_001083603.3); short protein forms T423S, T358S, T424S, T273S.
Identifiers: ClinVar variation 2094439 (VCV002094439.4), dbSNP rs1841227303, ClinGen allele CA374118855.

ClinVar aggregate classification (germline): Uncertain significance (1 of 4 stars; one submission).

Conditions:
Gorlin syndrome. Also called: Basal cell nevus syndrome; Nevoid Basal Cell Carcinoma Syndrome. Identifiers: Orphanet 377, MedGen C0004779, MONDO:0007187.

Submission:

Labcorp Genetics (formerly Invitae), Labcorp
Classification: Uncertain significance for Gorlin syndrome. Last evaluated: 2022-12-24. Review status: criteria provided, single submitter. Criteria: Invitae Variant Classification Sherloc (09022015). Collection method: clinical testing. Allele origin: germline.
Comment: This sequence change replaces threonine, which is neutral and polar, with serine, which is neutral and polar, at codon 424 of the PTCH1 protein (p.Thr424Ser). In summary, the available evidence is currently insufficient to determine the role of this variant in disease. Therefore, it has been classified as a Variant of Uncertain Significance. Algorithms developed to predict the effect of sequence changes on RNA splicing suggest that this variant may create or strengthen a splice site. Advanced modeling of protein sequence and biophysical properties (such as structural, functional, and spatial information, amino acid conservation, physicochemical variation, residue mobility, and thermodynamic stability) performed at Invitae indicates that this missense variant is not expected to disrupt PTCH1 protein function. This variant has not been reported in the literature in individuals affected with PTCH1-related conditions. This variant is not present in population databases (gnomAD no frequency).